The following is an entry in ClinVar:

ClinVar aggregate classification (germline): Uncertain significance (1 of 4 stars; one submission).

Conditions:
Mitochondrial complex II deficiency, nuclear type 1. Also called: SUCCINATE CoQ REDUCTASE DEFICIENCY. Identifiers: Orphanet 3208, MedGen C5700310, MONDO:0100294, OMIM 252011.
Pheochromocytoma/paraganglioma syndrome 5. Also called: Paragangliomas 5; SDHA-Related Hereditary Paraganglioma-Pheochromocytoma Syndrome. Identifiers: Orphanet 29072, MedGen C3279992, MONDO:0013602, OMIM 614165.

Submission:

Labcorp Genetics (formerly Invitae), Labcorp
Classification: Uncertain significance for Pheochromocytoma/paraganglioma syndrome 5; Mitochondrial complex II deficiency, nuclear type 1. Last evaluated: 2025-07-21. Review status: criteria provided, single submitter. Criteria: Invitae Variant Classification Sherloc (09022015). Collection method: clinical testing. Allele origin: germline.
Comment: This sequence change replaces asparagine, which is neutral and polar, with threonine, which is neutral and polar, at codon 570 of the SDHA protein (p.Asn570Thr). This variant is not present in population databases (gnomAD no frequency). This variant has not been reported in the literature in individuals affected with SDHA-related conditions. ClinVar contains an entry for this variant (Variation ID: 2936447). Invitae Evidence Modeling of protein sequence and biophysical properties (such as structural, functional, and spatial information, amino acid conservation, physicochemical variation, residue mobility, and thermodynamic stability) has been performed for this missense variant. However, the output from this modeling did not meet the statistical confidence thresholds required to predict the impact of this variant on SDHA protein function. In summary, the available evidence is currently insufficient to determine the role of this variant in disease. Therefore, it has been classified as a Variant of Uncertain Significance.

NM_004168.4(SDHA):c.1709A>C (p.Asn570Thr)

Gene: SDHA (succinate dehydrogenase complex flavoprotein subunit A; plus strand). Cytogenetic location: 5p15.33.
Variant type: single nucleotide variant.
Coding change: c.1709A>C on transcript NM_004168.4 (MANE Select); coding-DNA position 1709, A replaced by C.
Protein change: p.Asn570Thr; replaces asparagine 570 with threonine.
Molecular consequence: missense variant. On other transcripts: intron variant (1).
Genome position (GRCh38, 1-based): chr5:251,383, A>C. VCF-style: chr5-251383-A-C. GRCh37 (hg19) VCF-style: chr5-251498-A-C.
Other names: c.1565A>C, p.Asn522Thr (NM_001294332.2); c.1552-3010A>C (NM_001330758.2); short protein forms N522T, N570T.
Identifiers: ClinVar variation 2936447 (VCV002936447.3), dbSNP rs2477458104, ClinGen allele CA359000049.
Genomic context (GRCh38, chr5:251,383, plus strand): 5'-TTTTTGTGTCCCCAGGAATGGTCTGGAACACGGACCTGGTGGAGACCCTGGAGCTGCAGA[A>C]CCTGATGCTGTGTGCGCTGCAGACCATCTACGGAGCAGAGGCACGGAAGGAGTCACGGGG-3'
Protein context (NP_004159.2, residues 560-580): TDLVETLELQ[Asn570Thr]LMLCALQTIY